The following is an entry in ClinVar:

ClinVar aggregate classification (germline): Pathogenic (1 of 4 stars; one submission).

Conditions:
Leber congenital amaurosis 8 (LCA8). Identifiers: Orphanet 65, MedGen C3151202, MONDO:0013453, OMIM 613835.

Submission:

Juno Genomics, Hangzhou Juno Genomics, Inc
Classification: Pathogenic for Leber congenital amaurosis 8. Review status: criteria provided, single submitter. Criteria: ACMG Guidelines, 2015. Collection method: clinical testing. Allele origin: germline. Affected: yes.
Comment: Absent from controls (or at extremely low frequency if recessive) in Genome Aggregation Database, Exome Sequencing Project, 1000 Genomes Project, or Exome Aggregation Consortium.;Null variant in a gene where loss of function (LOF) is a known mechanism of disease.;For recessive disorders, detected in trans with a pathogenic variant.

NM_201253.3(CRB1):c.3326_3329del (p.Tyr1109fs)

Gene: CRB1 (crumbs cell polarity complex component 1; plus strand). Cytogenetic location: 1q31.3.
Variant type: Deletion.
Coding change: c.3326_3329del on transcript NM_201253.3 (MANE Select); coding-DNA positions 3326 to 3329, 4 bases deleted (ACTT; older notation c.3326_3329delACTT).
Protein change: p.Tyr1109fs; shifts the reading frame from tyrosine 1109.
Molecular consequence: frameshift variant. On other transcripts: non-coding transcript variant (2), intron variant (1).
Genome position (GRCh38, 1-based): chr1:197,435,189-197,435,192, ACTT deleted; deleting any 4 consecutive bases within chr1:197,435,186-197,435,192 gives the same sequence; the c. name uses the placement nearest the transcript's 3' end. VCF-style (leftmost placement, unchanged base first): chr1-197435185-TCTTA-T. GRCh37 (hg19) VCF-style: chr1-197404315-TCTTA-T.
Other names: c.2990_2993del, p.Tyr997fs (NM_001193640.2); c.3254_3257del, p.Tyr1085fs (NM_001257965.2); c.2129-411_2129-408del (NM_001257966.2); short protein forms Y1085fs, Y1109fs, Y997fs.
Identifiers: ClinVar variation 3382182 (VCV003382182.2).